The following is an entry in ClinVar:

ClinVar aggregate classification (germline): Benign (1 of 4 stars; one submission).

Allele frequency attached by ClinVar (database versions not stated): gnomAD 0.17915 and 0.18591; TOPMed 0.19865; 1000 Genomes Project 30x 0.21893; 1000 Genomes Project 0.22125.
gnomAD v4.1: 28,255 of 152,178 alleles (19%); highest among the groups gnomAD compares: Middle Eastern, 35%; 3,120 homozygotes.

Submissions (15):

GeneDx
Classification: Benign. Last evaluated: 2018-06-14. Review status: criteria provided, single submitter. Criteria: GeneDx Variant Classification (06012015). Collection method: clinical testing. Allele origin: germline. Affected: yes.
Comment: This variant is considered likely benign or benign based on one or more of the following criteria: it is a conservative change, it occurs at a poorly conserved position in the protein, it is predicted to be benign by multiple in silico algorithms, and/or has population frequency not consistent with disease.

Dr. Peter K. Rogan Lab, Western University
No classification provided (evidence only). Condition: Acute myeloid leukemia. Review status: no classification provided. Collection method: in vitro. Allele origin: not applicable. Functional consequence: retained intron. Not counted in ClinVar's aggregate classification.

Dr. Peter K. Rogan Lab, Western University
No classification provided (evidence only). Condition: Acute myeloid leukemia. Review status: no classification provided. Collection method: in vitro. Allele origin: not applicable. Functional consequence: retained intron. Not counted in ClinVar's aggregate classification.

Dr. Peter K. Rogan Lab, Western University
No classification provided (evidence only). Condition: Acute myeloid leukemia. Review status: no classification provided. Collection method: in vitro. Allele origin: not applicable. Functional consequence: retained intron. Not counted in ClinVar's aggregate classification.

Dr. Peter K. Rogan Lab, Western University
No classification provided (evidence only). Condition: Uterine corpus endometrial carcinoma. Review status: no classification provided. Collection method: in vitro. Allele origin: not applicable. Functional consequence: retained intron. Not counted in ClinVar's aggregate classification.

Dr. Peter K. Rogan Lab, Western University
No classification provided (evidence only). Condition: Uterine corpus endometrial carcinoma. Review status: no classification provided. Collection method: in vitro. Allele origin: not applicable. Functional consequence: skipped exon. Not counted in ClinVar's aggregate classification.

Dr. Peter K. Rogan Lab, Western University
No classification provided (evidence only). Condition: Cervical cancer. Review status: no classification provided. Collection method: in vitro. Allele origin: not applicable. Functional consequence: retained intron. Not counted in ClinVar's aggregate classification.

Dr. Peter K. Rogan Lab, Western University
No classification provided (evidence only). Condition: Cervical cancer. Review status: no classification provided. Collection method: in vitro. Allele origin: not applicable. Functional consequence: retained intron. Not counted in ClinVar's aggregate classification.

Dr. Peter K. Rogan Lab, Western University
No classification provided (evidence only). Condition: Sarcoma. Review status: no classification provided. Collection method: in vitro. Allele origin: not applicable. Functional consequence: retained intron. Not counted in ClinVar's aggregate classification.

Dr. Peter K. Rogan Lab, Western University
No classification provided (evidence only). Condition: Sarcoma. Review status: no classification provided. Collection method: in vitro. Allele origin: not applicable. Functional consequence: retained intron. Not counted in ClinVar's aggregate classification.

Dr. Peter K. Rogan Lab, Western University
No classification provided (evidence only). Condition: Sarcoma. Review status: no classification provided. Collection method: in vitro. Allele origin: not applicable. Functional consequence: retained intron. Not counted in ClinVar's aggregate classification.

Dr. Peter K. Rogan Lab, Western University
No classification provided (evidence only). Condition: Sarcoma. Review status: no classification provided. Collection method: in vitro. Allele origin: not applicable. Functional consequence: retained intron. Not counted in ClinVar's aggregate classification.

Dr. Peter K. Rogan Lab, Western University
No classification provided (evidence only). Condition: Thymoma. Review status: no classification provided. Collection method: in vitro. Allele origin: not applicable. Functional consequence: retained intron. Not counted in ClinVar's aggregate classification.

Dr. Peter K. Rogan Lab, Western University
No classification provided (evidence only). Condition: Gastric cancer. Review status: no classification provided. Collection method: in vitro. Allele origin: not applicable. Functional consequence: retained intron. Not counted in ClinVar's aggregate classification.

Dr. Peter K. Rogan Lab, Western University
No classification provided (evidence only). Condition: Malignant tumor of esophagus. Review status: no classification provided. Collection method: in vitro. Allele origin: not applicable. Functional consequence: retained intron. Not counted in ClinVar's aggregate classification.

NM_014846.4(WASHC5):c.2017-284A>G

Gene: WASHC5 (WASH complex subunit 5; minus strand). Cytogenetic location: 8q24.13.
Variant type: single nucleotide variant.
Coding change: c.2017-284A>G on transcript NM_014846.4 (MANE Select); 284 bases into the intron before coding-DNA position 2017, A replaced by G.
Molecular consequence: intron variant.
Genome position (GRCh38, 1-based): chr8:125,055,955, T>C on the plus strand (A>G on the coding strand, the complement: WASHC5 is on the minus strand). VCF-style: chr8-125055955-T-C. GRCh37 (hg19) VCF-style: chr8-126068197-T-C.
Other names: NC_000008.10:g.126068197T>C; c.1573-284A>G (NM_001330609.2).
Identifiers: ClinVar variation 670723 (VCV000670723.2), dbSNP rs2303525, ClinGen allele CA15544007.